The following is an entry in ClinVar:

NM_001354604.2(MITF):c.652G>A (p.Ala218Thr)

Gene: MITF (melanocyte inducing transcription factor; plus strand). Cytogenetic location: 3p13.
Variant type: single nucleotide variant.
Coding change: c.652G>A on transcript NM_001354604.2 (MANE Select); coding-DNA position 652, G replaced by A.
Protein change: p.Ala218Thr; replaces alanine 218 with threonine.
Molecular consequence: missense variant.
Genome position (GRCh38, 1-based): chr3:69,939,167, G>A. VCF-style: chr3-69939167-G-A. GRCh37 (hg19) VCF-style: chr3-69988318-G-A.
Other names: c.331G>A, p.Ala111Thr (NM_000248.4, NM_198158.3); c.496G>A, p.Ala166Thr (NM_001184967.2, NM_001354608.2); c.649G>A, p.Ala217Thr (NM_001354605.2, NM_001354606.2, NM_006722.3); c.601G>A, p.Ala201Thr (NM_001354607.2); c.652G>A, p.Ala218Thr (NM_198159.3); c.604G>A, p.Ala202Thr (NM_198177.3); c.163G>A, p.Ala55Thr (NM_198178.3); short protein forms A111T, A201T, A217T, A218T, A166T, A202T, A55T.
Identifiers: ClinVar variation 3396346 (VCV003396346.1).

ClinVar aggregate classification (germline): Uncertain significance (1 of 4 stars; one submission).

Conditions:
Hereditary cancer-predisposing syndrome. Also called: Hereditary Cancer Syndrome; Tumor predisposition; Hereditary neoplastic syndrome; Neoplastic Syndromes, Hereditary. Identifiers: Orphanet 140162, MedGen C0027672, MeSH D009386, MONDO:0015356.

Submission:

Ambry Genetics
Classification: Uncertain significance for Hereditary cancer-predisposing syndrome. Last evaluated: 2024-12-02. Review status: criteria provided, single submitter. Criteria: Ambry Variant Classification Scheme 2023. Collection method: clinical testing. Allele origin: germline.
Comment: The p.A111T variant (also known as c.331G>A), located in coding exon 3 of the MITF gene, results from a G to A substitution at nucleotide position 331. The alanine at codon 111 is replaced by threonine, an amino acid with similar properties. This amino acid position is conserved. In addition, this alteration is predicted to be tolerated by in silico analysis. Based on the available evidence, the clinical significance of this variant remains unclear.